The following is an entry in ClinVar:

NM_014425.5(INVS):c.1882A>T (p.Ser628Cys)

Gene: INVS (inversin; plus strand). Cytogenetic location: 9q31.1.
Variant type: single nucleotide variant.
Coding change: c.1882A>T on transcript NM_014425.5 (MANE Select); coding-DNA position 1882, A replaced by T.
Protein change: p.Ser628Cys; replaces serine 628 with cysteine.
Molecular consequence: missense variant. On other transcripts: non-coding transcript variant (1).
Genome position (GRCh38, 1-based): chr9:100,284,417, A>T. VCF-style: chr9-100284417-A-T. GRCh37 (hg19) VCF-style: chr9-103046699-A-T.
Other names: c.1594A>T, p.Ser532Cys (NM_001318381.2); c.904A>T, p.Ser302Cys (NM_001318382.2); short protein forms S532C, S628C, S302C.
Identifiers: ClinVar variation 2065268 (VCV002065268.4), dbSNP rs2490087833, ClinGen allele CA374240005.
Genomic context (GRCh38, chr9:100,284,417, plus strand): 5'-CAGCAAAAAGGAAGGCGGAGCCCAGATTCCTGCAGACCCCAGGCCCTTCCCTGTCTGCCT[A>T]GCACCCAGGATGTGCCCAGCAGGCAGAGCCGGGCCCCCAGCAAGCAGCCTCCTGCTGGCA-3'
Protein context (NP_055240.2, residues 618-638): CRPQALPCLP[Ser628Cys]TQDVPSRQSR

ClinVar aggregate classification (germline): Uncertain significance (1 of 4 stars; one submission).

Conditions:
Nephronophthisis. Also called: Juvenile Nephronophthisis. Identifiers: Orphanet 655, MedGen C0687120, MONDO:0019005, HP:0000090.

Submission:

Labcorp Genetics (formerly Invitae), Labcorp
Classification: Uncertain significance for Nephronophthisis. Last evaluated: 2022-09-19. Review status: criteria provided, single submitter. Criteria: Invitae Variant Classification Sherloc (09022015). Collection method: clinical testing. Allele origin: germline.
Comment: In summary, the available evidence is currently insufficient to determine the role of this variant in disease. Therefore, it has been classified as a Variant of Uncertain Significance. Algorithms developed to predict the effect of missense changes on protein structure and function are either unavailable or do not agree on the potential impact of this missense change (SIFT: "Deleterious"; PolyPhen-2: "Possibly Damaging"; Align-GVGD: "Class C0"). This variant has not been reported in the literature in individuals affected with INVS-related conditions. This variant is not present in population databases (gnomAD no frequency). This sequence change replaces serine, which is neutral and polar, with cysteine, which is neutral and slightly polar, at codon 628 of the INVS protein (p.Ser628Cys).